The following is an entry in ClinVar:

ClinVar aggregate classification (germline): Likely benign (1 of 4 stars; one submission).

gnomAD v4.1: 2 of 1,509,534 alleles (0.00013%); highest among the groups gnomAD compares: South Asian, 0.0012%; no homozygotes.

Submission:

GeneDx
Classification: Likely benign. Last evaluated: 2017-10-05. Review status: criteria provided, single submitter. Criteria: GeneDx Variant Classification (06012015). Collection method: clinical testing. Allele origin: germline. Affected: yes.
Comment: This variant is considered likely benign or benign based on one or more of the following criteria: it is a conservative change, it occurs at a poorly conserved position in the protein, it is predicted to be benign by multiple in silico algorithms, and/or has population frequency not consistent with disease.

NM_213649.2(SFXN4):c.-31T>G

Genes: SFXN4 (sideroflexin 4; minus strand), LOC130004825 (ATAC-STARR-seq lymphoblastoid silent region 2869; plus strand). Cytogenetic location: 10q26.11.
Variant type: single nucleotide variant.
Coding change: c.-31T>G on transcript NM_213649.2 (MANE Select); 31 bases upstream of the start codon, T replaced by G.
Molecular consequence: 5 prime UTR variant. On other transcripts: non-coding transcript variant (1).
Genome position (GRCh38, 1-based): chr10:119,165,678, A>C on the plus strand (T>G on the coding strand, the complement: SFXN4 is on the minus strand). VCF-style: chr10-119165678-A-C. GRCh37 (hg19) VCF-style: chr10-120925190-A-C.
Identifiers: ClinVar variation 512150 (VCV000512150.1), dbSNP rs780298679, ClinGen allele CA658797548.
Genomic context (GRCh38, chr10:119,165,678, plus strand): 5'-TTGCGTTTCCTCCTCCTGTTCCAGGGACATTTTGCGCTGGTTAGAGTGGCCGCCGCCGCC[A>C]GGCCGCGCGTGGAGGAGGAGCCGGGCGGCGAGCCCCGCCCCGGGCCGCGCGCACCCGCAG-3'